The following is an entry in ClinVar:

ClinVar aggregate classification (germline): Likely benign. Review status: criteria provided, multiple submitters, no conflicts (2 of 4 stars). 3 submissions from 3 submitters: Likely benign (3). Last evaluated 2026-06-01.

Allele frequency attached by ClinVar (database versions not stated): ExAC 0.00001; gnomAD 0.00001; gnomAD exomes 0.00001.
gnomAD v4.1: 20 of 1,614,052 alleles (0.0012%); highest among the groups gnomAD compares: Admixed American, 0.0067%; no homozygotes.

Submissions (3):

CeGaT Center for Human Genetics Tuebingen
Classification: Likely benign. Last evaluated: 2026-06-01. Review status: criteria provided, single submitter. Criteria: CeGaT Center For Human Genetics Tuebingen Variant Classification Criteria Version 2. Collection method: clinical testing. Allele origin: germline. Affected: yes. Observed: 1 variant allele.
Comment: TET2: BP4, BP7

Ambry Genetics
Classification: Likely benign. Last evaluated: 2024-12-01. Review status: criteria provided, single submitter. Criteria: Ambry Variant Classification Scheme 2023. Collection method: clinical testing. Allele origin: germline.

Labcorp Genetics (formerly Invitae), Labcorp
Classification: Likely benign. Last evaluated: 2023-09-15. Review status: criteria provided, single submitter. Criteria: Invitae Variant Classification Sherloc (09022015). Collection method: clinical testing. Allele origin: germline.

NM_001127208.3(TET2):c.3162A>G (p.Val1054=)

Genes: TET2 (tet methylcytosine dioxygenase 2; plus strand), TET2-AS1 (TET2 antisense RNA 1; minus strand). Cytogenetic location: 4q24.
Variant type: single nucleotide variant.
Coding change: c.3162A>G on transcript NM_001127208.3 (MANE Select); coding-DNA position 3162, A replaced by G.
Protein change: p.Val1054=; no amino-acid change (valine 1054 retained).
Molecular consequence: synonymous variant.
Genome position (GRCh38, 1-based): chr4:105,237,104, A>G. VCF-style: chr4-105237104-A-G. GRCh37 (hg19) VCF-style: chr4-106158261-A-G.
Other names: c.3162A>G, p.Val1054= (NM_017628.4).
Identifiers: ClinVar variation 1913563 (VCV001913563.8), dbSNP rs1553914508, ClinGen allele CA3032027.